The following is an entry in ClinVar:

NM_020822.3(KCNT1):c.394G>A (p.Val132Met)

Gene: KCNT1 (potassium sodium-activated channel subfamily T member 1; plus strand). Cytogenetic location: 9q34.3.
Variant type: single nucleotide variant.
Coding change: c.394G>A on transcript NM_020822.3 (MANE Select); coding-DNA position 394, G replaced by A.
Protein change: p.Val132Met; replaces valine 132 with methionine.
Molecular consequence: missense variant.
Genome position (GRCh38, 1-based): chr9:135,751,001, G>A. VCF-style: chr9-135751001-G-A. GRCh37 (hg19) VCF-style: chr9-138642847-G-A.
Other names: c.250G>A, p.Val84Met (NM_001272003.2); short protein forms V84M, V132M.
Identifiers: ClinVar variation 2942950 (VCV002942950.3), dbSNP rs772699770, ClinGen allele CA5326397.

ClinVar aggregate classification (germline): Uncertain significance (1 of 4 stars; one submission).

Conditions:
Autosomal dominant nocturnal frontal lobe epilepsy 5. Also called: Epilepsy, nocturnal frontal lobe, 5; CILIARY DYSKINESIA, PRIMARY, 28, WITHOUT SITUS INVERSUS; CILIARY DYSKINESIA, PRIMARY, 28, WITH SITUS INVERSUS; KCNT1-Related Epilepsy. Identifiers: Orphanet 98784, MedGen C3554306, MONDO:0014002, OMIM 615005.
Developmental and epileptic encephalopathy, 14 (DEE14). Also called: Early infantile epileptic encephalopathy 14. Identifiers: Orphanet 293181, MedGen C3554195, MONDO:0013989, OMIM 614959.

Allele frequency attached by ClinVar (database versions not stated): ExAC 0.00001.

Submission:

Labcorp Genetics (formerly Invitae), Labcorp
Classification: Uncertain significance for Autosomal dominant nocturnal frontal lobe epilepsy 5; Developmental and epileptic encephalopathy, 14. Last evaluated: 2023-07-07. Review status: criteria provided, single submitter. Criteria: Invitae Variant Classification Sherloc (09022015). Collection method: clinical testing. Allele origin: germline.
Comment: In summary, the available evidence is currently insufficient to determine the role of this variant in disease. Therefore, it has been classified as a Variant of Uncertain Significance. Advanced modeling of protein sequence and biophysical properties (such as structural, functional, and spatial information, amino acid conservation, physicochemical variation, residue mobility, and thermodynamic stability) performed at Invitae indicates that this missense variant is not expected to disrupt KCNT1 protein function. This variant has not been reported in the literature in individuals affected with KCNT1-related conditions. This variant is present in population databases (rs772699770, gnomAD 0.006%). This sequence change replaces valine, which is neutral and non-polar, with methionine, which is neutral and non-polar, at codon 132 of the KCNT1 protein (p.Val132Met).